The following is an entry in ClinVar:

ClinVar aggregate classification (germline): Uncertain significance. Review status: criteria provided, multiple submitters, no conflicts (2 of 4 stars). 2 submissions from 2 submitters: Uncertain significance (2). Last evaluated 2023-08-11.

Conditions:
Hypertrophic cardiomyopathy 9. Also called: Familial hypertrophic cardiomyopathy 9. Identifiers: MedGen C1861065, MONDO:0013412, OMIM 613765.
Dilated cardiomyopathy 1G (CMD1G). Identifiers: Orphanet 154, MedGen C1858763, MONDO:0011400, OMIM 604145.
Autosomal recessive limb-girdle muscular dystrophy type 2J (LGMDR10). Also called: MUSCULAR DYSTROPHY, LIMB-GIRDLE, AUTOSOMAL RECESSIVE 10; Limb-girdle muscular dystrophy, type 2J. Identifiers: Orphanet 140922, MedGen C1837342, MONDO:0012127, OMIM 608807.

gnomAD v4.1: 3 of 1,613,978 alleles (0.00019%); highest among the groups gnomAD compares: South Asian, 0.0011%; no homozygotes.

Submissions (2):

New York Genome Center
Classification: Uncertain significance for Hypertrophic cardiomyopathy 9; Dilated cardiomyopathy 1G. Last evaluated: 2023-08-11. Review status: criteria provided, single submitter. Criteria: NYGC Assertion Criteria 2020. Collection method: clinical testing. Allele origin: germline. Observed: 1 heterozygote.

Labcorp Genetics (formerly Invitae), Labcorp
Classification: Uncertain significance for Dilated cardiomyopathy 1G; Autosomal recessive limb-girdle muscular dystrophy type 2J. Last evaluated: 2023-03-22. Review status: criteria provided, single submitter. Criteria: Invitae Variant Classification Sherloc (09022015). Collection method: clinical testing. Allele origin: germline.
Comment: This sequence change replaces histidine, which is basic and polar, with arginine, which is basic and polar, at codon 34152 of the TTN protein (p.His34152Arg). This variant is not present in population databases (gnomAD no frequency). This variant has not been reported in the literature in individuals affected with TTN-related conditions. Experimental studies and prediction algorithms are not available or were not evaluated, and the functional significance of this variant is currently unknown. This variant is located in the M band of TTN (PMID: 25589632). Variants in this region may be relevant for neuromuscular disorders, but have not been definitively shown to cause cardiomyopathy (PMID: 23975875). In summary, the available evidence is currently insufficient to determine the role of this variant in disease. Therefore, it has been classified as a Variant of Uncertain Significance.

Literature cited by the submitters: PubMed 25589632 (cited by Labcorp Genetics (formerly Invitae), Labcorp); PubMed 23975875 (cited by Labcorp Genetics (formerly Invitae), Labcorp).

NM_001267550.2(TTN):c.102455A>G (p.His34152Arg)

Genes: TTN (titin; minus strand), TTN-AS1 (TTN antisense RNA 1; plus strand). Cytogenetic location: 2q31.2.
Variant type: single nucleotide variant.
Coding change: c.102455A>G on transcript NM_001267550.2 (MANE Select); coding-DNA position 102455, A replaced by G.
Protein change: p.His34152Arg; replaces histidine 34152 with arginine.
Molecular consequence: missense variant.
Genome position (GRCh38, 1-based): chr2:178,534,160, T>C on the plus strand (A>G on the coding strand, the complement: TTN is on the minus strand). VCF-style: chr2-178534160-T-C. GRCh37 (hg19) VCF-style: chr2-179398887-T-C.
Other names: c.97532A>G, p.His32511Arg (NM_001256850.1); c.75260A>G, p.His25087Arg (NM_003319.4); c.94751A>G, p.His31584Arg (NM_133378.4); c.75635A>G, p.His25212Arg (NM_133432.3); c.75836A>G, p.His25279Arg (NM_133437.4); short protein forms H25087R, H25212R, H25279R, H31584R, H32511R, H34152R.
Identifiers: ClinVar variation 2665060 (VCV002665060.4), dbSNP rs2468523896, ClinGen allele CA349417505.